The following is an entry in ClinVar:

NM_002890.3(RASA1):c.1593T>A (p.His531Gln)

Genes: CCNH (cyclin H; minus strand), RASA1 (RAS p21 protein activator 1; plus strand). Cytogenetic location: 5q14.3.
Variant type: single nucleotide variant.
Coding change: c.1593T>A on transcript NM_002890.3 (MANE Select); coding-DNA position 1593, T replaced by A.
Protein change: p.His531Gln; replaces histidine 531 with glutamine.
Molecular consequence: missense variant. On other transcripts: intron variant (1).
Genome position (GRCh38, 1-based): chr5:87,363,487, T>A. VCF-style: chr5-87363487-T-A. GRCh37 (hg19) VCF-style: chr5-86659304-T-A.
Other names: c.1062T>A, p.His354Gln (NM_022650.3); c.933+31557A>T (NM_001364075.2); short protein forms H354Q, H531Q.
Identifiers: ClinVar variation 2453888 (VCV002453888.2), dbSNP rs368416407, ClinGen allele CA360369862.

ClinVar aggregate classification (germline): Uncertain significance (1 of 4 stars; one submission).

Conditions:
Cardiovascular phenotype. Identifiers: MedGen CN230736.

Submission:

Ambry Genetics
Classification: Uncertain significance for Cardiovascular phenotype. Last evaluated: 2022-12-07. Review status: criteria provided, single submitter. Criteria: Ambry Variant Classification Scheme 2023. Collection method: clinical testing. Allele origin: germline.
Comment: The p.H531Q variant (also known as c.1593T>A), located in coding exon 11 of the RASA1 gene, results from a T to A substitution at nucleotide position 1593. The histidine at codon 531 is replaced by glutamine, an amino acid with highly similar properties. This amino acid position is conserved. In addition, this alteration is predicted to be deleterious by in silico analysis. Since supporting evidence is limited at this time, the clinical significance of this alteration remains unclear.